The following is an entry in ClinVar:

ClinVar aggregate classification (germline): Uncertain significance. Review status: criteria provided, multiple submitters, no conflicts (2 of 4 stars). 3 submissions from 3 submitters: Uncertain significance (3). Last evaluated 2025-10-23.

Conditions:
Hereditary cancer-predisposing syndrome. Also called: Hereditary neoplastic syndrome; Neoplastic Syndromes, Hereditary; Tumor predisposition; Hereditary Cancer Syndrome. Identifiers: Orphanet 140162, MedGen C0027672, MeSH D009386, MONDO:0015356.
Hereditary nonpolyposis colorectal neoplasms. Identifiers: MedGen C0009405, MeSH D003123.
Lynch syndrome. Identifiers: Orphanet 144, MedGen C4552100, MONDO:0005835. Disease mechanism: loss of function.

gnomAD v4.1: 1 of 1,614,098 alleles (0.000062%); highest among the groups gnomAD compares: Non-Finnish European, 0.000085%; no homozygotes.

Submissions (3):

Ambry Genetics
Classification: Uncertain significance for Hereditary cancer-predisposing syndrome. Last evaluated: 2025-10-23. Review status: criteria provided, single submitter. Criteria: Ambry Variant Classification Scheme 2023. Collection method: clinical testing. Allele origin: germline.
Comment: The p.E665G variant (also known as c.1994A>G), located in coding exon 4 of the MSH6 gene, results from an A to G substitution at nucleotide position 1994. The glutamic acid at codon 665 is replaced by glycine, an amino acid with similar properties. This amino acid position is well conserved in available vertebrate species. In addition, the in silico prediction for this alteration is inconclusive. Since supporting evidence is limited at this time, the clinical significance of this alteration remains unclear.

Labcorp Genetics (formerly Invitae), Labcorp
Classification: Uncertain significance for Hereditary nonpolyposis colorectal neoplasms. Last evaluated: 2025-10-07. Review status: criteria provided, single submitter. Criteria: Invitae Variant Classification Sherloc (09022015). Collection method: clinical testing. Allele origin: germline.
Comment: This sequence change replaces glutamic acid, which is acidic and polar, with glycine, which is neutral and non-polar, at codon 665 of the MSH6 protein (p.Glu665Gly). This variant is not present in population databases (gnomAD no frequency). This variant has not been reported in the literature in individuals affected with MSH6-related conditions. ClinVar contains an entry for this variant (Variation ID: 185132). Invitae Evidence Modeling of protein sequence and biophysical properties (such as structural, functional, and spatial information, amino acid conservation, physicochemical variation, residue mobility, and thermodynamic stability) indicates that this missense variant is not expected to disrupt MSH6 protein function with a negative predictive value of 95%. In summary, the available evidence is currently insufficient to determine the role of this variant in disease. Therefore, it has been classified as a Variant of Uncertain Significance.

Department of Pathology and Laboratory Medicine, Sinai Health System
Classification: Uncertain significance for Lynch syndrome. Last evaluated: 2021-12-02. Review status: criteria provided, single submitter. Criteria: ACMG Guidelines, 2015. Collection method: clinical testing. Allele origin: germline. Affected: yes.

NM_000179.3(MSH6):c.1994A>G (p.Glu665Gly)

Gene: MSH6 (mutS homolog 6; plus strand). Cytogenetic location: 2p16.3.
Variant type: single nucleotide variant.
Coding change: c.1994A>G on transcript NM_000179.3 (MANE Select); coding-DNA position 1994, A replaced by G.
Protein change: p.Glu665Gly; replaces glutamic acid 665 with glycine.
Molecular consequence: missense variant.
Genome position (GRCh38, 1-based): chr2:47,799,977, A>G. VCF-style: chr2-47799977-A-G. GRCh37 (hg19) VCF-style: chr2-48027116-A-G.
Other names: c.1604A>G, p.Glu535Gly (NM_001281492.2); c.1088A>G, p.Glu363Gly (NM_001281493.2, NM_001281494.2); short protein forms E665G, E363G, E535G.
Identifiers: ClinVar variation 185132 (VCV000185132.16), dbSNP rs786201952, ClinGen allele CA009517.